The following is an entry in ClinVar:

NM_002439.5(MSH3):c.559A>C (p.Lys187Gln)

Gene: MSH3 (mutS homolog 3; plus strand). Cytogenetic location: 5q14.1.
Variant type: single nucleotide variant.
Coding change: c.559A>C on transcript NM_002439.5 (MANE Select); coding-DNA position 559, A replaced by C.
Protein change: p.Lys187Gln; replaces lysine 187 with glutamine.
Molecular consequence: missense variant.
Genome position (GRCh38, 1-based): chr5:80,665,343, A>C. VCF-style: chr5-80665343-A-C. GRCh37 (hg19) VCF-style: chr5-79961162-A-C.
Other names: short protein forms K187Q.
Identifiers: ClinVar variation 2228759 (VCV002228759.4), dbSNP rs2546717576, ClinGen allele CA360264544.
Genomic context (GRCh38, chr5:80,665,343, plus strand): 5'-ACTGATTTTGATGATATCAGTCTTCTACACGCAAAGAATGCAGTTTCTTCTGAAGATTCG[A>C]AACGTCAAATTAATCAAAAGGTATGTAACTGCTATAGATGAGTATCCAGTTACCTAGAAT-3'
Protein context (NP_002430.3, residues 177-197): AKNAVSSEDS[Lys187Gln]RQINQKDTTL

ClinVar aggregate classification (germline): Uncertain significance. Review status: criteria provided, multiple submitters, no conflicts (2 of 4 stars). 2 submissions from 2 submitters: Uncertain significance (2). Last evaluated 2024-02-12.

Conditions:
Hereditary cancer-predisposing syndrome. Also called: Neoplastic Syndromes, Hereditary; Tumor predisposition; Hereditary Cancer Syndrome; Hereditary neoplastic syndrome. Identifiers: Orphanet 140162, MedGen C0027672, MeSH D009386, MONDO:0015356.

Submissions (2):

Labcorp Genetics (formerly Invitae), Labcorp
Classification: Uncertain significance. Last evaluated: 2024-02-12. Review status: criteria provided, single submitter. Criteria: Invitae Variant Classification Sherloc (09022015). Collection method: clinical testing. Allele origin: germline.
Comment: This sequence change replaces lysine, which is basic and polar, with glutamine, which is neutral and polar, at codon 187 of the MSH3 protein (p.Lys187Gln). This variant is not present in population databases (gnomAD no frequency). This variant has not been reported in the literature in individuals affected with MSH3-related conditions. ClinVar contains an entry for this variant (Variation ID: 2228759). An algorithm developed to predict the effect of missense changes on protein structure and function (PolyPhen-2) suggests that this variant is likely to be tolerated. In summary, the available evidence is currently insufficient to determine the role of this variant in disease. Therefore, it has been classified as a Variant of Uncertain Significance.

Ambry Genetics
Classification: Uncertain significance for Hereditary cancer-predisposing syndrome. Last evaluated: 2022-02-11. Review status: criteria provided, single submitter. Criteria: Ambry Variant Classification Scheme 2023. Collection method: clinical testing. Allele origin: germline.